The following is an entry in ClinVar:

ClinVar aggregate classification (germline): Pathogenic. Review status: criteria provided, multiple submitters, no conflicts (2 of 4 stars). 5 submissions from 5 submitters: Pathogenic (5). Last evaluated 2025-10-29.

Conditions:
Neurofibromatosis, type 1 (NF1). Also called: Peripheral type neurofibromatosis; VON RECKLINGHAUSEN DISEASE; Neurofibromatosis, type I; NEUROFIBROMATOSIS, TYPE I, SOMATIC. Identifiers: Orphanet 636, MedGen C0027831, MONDO:0018975, OMIM 162200. Disease mechanism: loss of function.

Submissions (5):

Victorian Clinical Genetics Services, Murdoch Childrens Research Institute
Classification: Pathogenic for Neurofibromatosis, type 1. Last evaluated: 2025-10-29. Review status: criteria provided, single submitter. Criteria: ACMG Guidelines, 2015. Collection method: clinical testing. Allele origin: germline. Affected: yes.
Comment: This variant is classified as Pathogenic. Evidence in support of pathogenic classification: Variant is predicted to cause nonsense-mediated decay (NMD) and loss of protein (premature termination codon is located at least 54 nucleotides upstream of the final exon-exon junction); Variant is absent from gnomAD (v2, v3 and v4); This variant has strong previous evidence of pathogenicity in unrelated individuals. This variant has been classified as pathogenic by multiple clinical laboratories in ClinVar and reported as pathogenic in individuals with neurofibromatosis, type 1 (PMID: 25325900); Other NMD-predicted variants comparable to the one identified in this case have very strong previous evidence for pathogenicity (DECIPHER). Additional information: This variant is heterozygous; This gene is associated with autosomal dominant disease; Loss of function is a known mechanism of disease in this gene and is associated with neurofibromatosis, type 1 (MONDO:0018975); Variants in this gene are known to have variable expressivity. Disease manifestation can be extremely variable, even within a family (PMID: 20301288); Inheritance information for this variant is not currently available in this individual.

NHS Central & South Genomic Laboratory Hub
Classification: Pathogenic for Neurofibromatosis type 1. Last evaluated: 2025-04-09. Review status: criteria provided, single submitter. Criteria: ACMG Guidelines, 2015. Collection method: clinical testing. Allele origin: germline. Affected: yes.

GeneDx
Classification: Pathogenic. Last evaluated: 2022-05-12. Review status: criteria provided, single submitter. Criteria: GeneDx Variant Classification Process June 2021. Collection method: clinical testing. Allele origin: germline. Affected: yes.
Comment: Nonsense variant predicted to result in protein truncation or nonsense mediated decay in a gene for which loss-of-function is a known mechanism of disease; Not observed at significant frequency in large population cohorts (gnomAD); This variant is associated with the following publications: (PMID: 23656349, 21520333, 25325900)

Genome-Nilou Lab
Classification: Pathogenic for Neurofibromatosis, type 1. Last evaluated: 2022-03-15. Review status: criteria provided, single submitter. Criteria: ACMG Guidelines, 2015. Collection method: clinical testing. Allele origin: germline. Affected: no.

Labcorp Genetics (formerly Invitae), Labcorp
Classification: Pathogenic for Neurofibromatosis, type 1. Last evaluated: 2018-05-10. Review status: criteria provided, single submitter. Criteria: Invitae Variant Classification Sherloc (09022015). Collection method: clinical testing. Allele origin: germline.
Comment: This variant is not present in population databases (ExAC no frequency). This sequence change creates a premature translational stop signal (p.Gln589*) in the NF1 gene. It is expected to result in an absent or disrupted protein product. For these reasons, this variant has been classified as Pathogenic. Loss-of-function variants in NF1 are known to be pathogenic (PMID: 10712197, 23913538). This variant has been reported in an individual wtih neurofibromatosis, type 1 (PMID: 25325900) and in individuals in the Leiden Open-source Variation Database (PMID: 21520333).

Literature cited by the submitters: PubMed 25325900 (cited by Victorian Clinical Genetics Services, Murdoch Childrens Research Institute and Labcorp Genetics (formerly Invitae), Labcorp); PubMed 20301288 (cited by Victorian Clinical Genetics Services, Murdoch Childrens Research Institute); PubMed 10712197 (cited by Labcorp Genetics (formerly Invitae), Labcorp); PubMed 23913538 (cited by Labcorp Genetics (formerly Invitae), Labcorp); PubMed 21520333 (cited by Labcorp Genetics (formerly Invitae), Labcorp).

NM_001042492.3(NF1):c.1765C>T (p.Gln589Ter)

Gene: NF1 (neurofibromin 1; plus strand). Cytogenetic location: 17q11.2.
Variant type: single nucleotide variant.
Coding change: c.1765C>T on transcript NM_001042492.3 (MANE Select); coding-DNA position 1765, C replaced by T.
Protein change: p.Gln589Ter; replaces glutamine 589 with a stop codon.
Molecular consequence: nonsense.
Genome position (GRCh38, 1-based): chr17:31,223,487, C>T. VCF-style: chr17-31223487-C-T. GRCh37 (hg19) VCF-style: chr17-29550505-C-T.
Other names: c.1765C>T, p.Gln589Ter (NM_000267.4); short protein forms Q589*.
Identifiers: ClinVar variation 573696 (VCV000573696.9), dbSNP rs1282299543, ClinGen allele CA399004213.
Genomic context (GRCh38, chr17:31,223,487, plus strand): 5'-ACTTTATGTTACTGCAGCTCACAAATGCTTTTTTACATCTGCAAGAAATTAACTAGTCAT[C>T]AAATGCTTAGTAGCACAGAAATTCTCAAGTGGTTGCGGGAAATATTGATCTGCAGGAATA-3'